The following is an entry in ClinVar:

ClinVar aggregate classification (germline): Uncertain significance (1 of 4 stars; one submission).

Submission:

Labcorp Genetics (formerly Invitae), Labcorp
Classification: Uncertain significance. Last evaluated: 2025-04-28. Review status: criteria provided, single submitter. Criteria: Invitae Variant Classification Sherloc (09022015). Collection method: clinical testing. Allele origin: germline.
Comment: This sequence change replaces aspartic acid, which is acidic and polar, with valine, which is neutral and non-polar, at codon 215 of the ACO2 protein (p.Asp215Val). This variant is not present in population databases (gnomAD no frequency). This variant has not been reported in the literature in individuals affected with ACO2-related conditions. ClinVar contains an entry for this variant (Variation ID: 2105650). Invitae Evidence Modeling of protein sequence and biophysical properties (such as structural, functional, and spatial information, amino acid conservation, physicochemical variation, residue mobility, and thermodynamic stability) indicates that this missense variant is expected to disrupt ACO2 protein function with a positive predictive value of 80%. In summary, the available evidence is currently insufficient to determine the role of this variant in disease. Therefore, it has been classified as a Variant of Uncertain Significance.

NM_001098.3(ACO2):c.644A>T (p.Asp215Val)

Gene: ACO2 (aconitase 2; plus strand). Cytogenetic location: 22q13.2.
Variant type: single nucleotide variant.
Coding change: c.644A>T on transcript NM_001098.3 (MANE Select); coding-DNA position 644, A replaced by T.
Protein change: p.Asp215Val; replaces aspartic acid 215 with valine.
Molecular consequence: missense variant.
Genome position (GRCh38, 1-based): chr22:41,515,495, A>T. VCF-style: chr22-41515495-A-T. GRCh37 (hg19) VCF-style: chr22-41911499-A-T.
Other names: short protein forms D215V.
Identifiers: ClinVar variation 2105650 (VCV002105650.4), dbSNP rs2518222358, ClinGen allele CA411718295.